The following is an entry in ClinVar:

NM_003242.6(TGFBR2):c.809A>G (p.Gln270Arg)

Gene: TGFBR2 (transforming growth factor beta receptor 2; plus strand). Cytogenetic location: 3p24.1.
Variant type: single nucleotide variant.
Coding change: c.809A>G on transcript NM_003242.6 (MANE Select); coding-DNA position 809, A replaced by G.
Protein change: p.Gln270Arg; replaces glutamine 270 with arginine.
Molecular consequence: missense variant.
Genome position (GRCh38, 1-based): chr3:30,671,992, A>G. VCF-style: chr3-30671992-A-G. GRCh37 (hg19) VCF-style: chr3-30713484-A-G.
Other names: c.884A>G, p.Gln295Arg (NM_001024847.3); c.992A>G, p.Gln331Arg (NM_001407126.1); c.917A>G, p.Gln306Arg (NM_001407127.1); c.836A>G, p.Gln279Arg (NM_001407128.1); c.812A>G, p.Gln271Arg (NM_001407129.1); c.809A>G, p.Gln270Arg (NM_001407130.1); c.704A>G, p.Gln235Arg (NM_001407132.1, NM_001407133.1, NM_001407134.1 and 2 more transcripts); c.524A>G, p.Gln175Arg (NM_001407137.1); and 1 more; short protein forms Q295R, Q270R, Q271R, Q279R, Q175R, Q331R, Q150R, Q235R.
Identifiers: ClinVar variation 925166 (VCV000925166.5), dbSNP rs1699347991, ClinGen allele CA351807916.

ClinVar aggregate classification (germline): Uncertain significance (1 of 4 stars; one submission).

Conditions:
Familial thoracic aortic aneurysm and aortic dissection (TAAD). Also called: Thoracic aortic aneurysms and dissections. Identifiers: Orphanet 91387, MedGen C4707243, MONDO:0019625.

Allele frequency attached by ClinVar (database versions not stated): gnomAD exomes below 0.00001.

Submission:

Color Diagnostics, LLC DBA Color Health
Classification: Uncertain significance for Familial thoracic aortic aneurysm and aortic dissection. Last evaluated: 2023-12-04. Review status: criteria provided, single submitter. Criteria: ACMG Guidelines, 2015. Collection method: clinical testing. Allele origin: germline.
Comment: This missense variant replaces glutamine with arginine at codon 270 of the TGFBR2 protein. Computational prediction is inconclusive regarding the impact of this variant on protein structure and function (internally defined REVEL score threshold 0.5 < inconclusive < 0.7, PMID: 27666373). To our knowledge, functional studies have not been reported for this variant. This variant has not been reported in individuals affected with TGFBR2-related disorders in the literature. This variant has not been identified in the general population by the Genome Aggregation Database (gnomAD). The available evidence is insufficient to determine the role of this variant in disease conclusively. Therefore, this variant is classified as a Variant of Uncertain Significance.